The following is an entry in ClinVar:

ClinVar aggregate classification (germline): Uncertain significance (1 of 4 stars; one submission).

Submission:

Labcorp Genetics (formerly Invitae), Labcorp
Classification: Uncertain significance. Last evaluated: 2025-08-26. Review status: criteria provided, single submitter. Criteria: Invitae Variant Classification Sherloc (09022015). Collection method: clinical testing. Allele origin: germline.
Comment: This sequence change creates a premature translational stop signal (p.Lys695Thrfs*12) in the ITGAM gene. It is expected to result in an absent or disrupted protein product. However, the current clinical and genetic evidence is not sufficient to establish whether loss-of-function variants in ITGAM cause disease. This variant is present in population databases (rs770251573, gnomAD 0.01%). This variant has not been reported in the literature in individuals affected with ITGAM-related conditions. ClinVar contains an entry for this variant (Variation ID: 2186574). In summary, the available evidence is currently insufficient to determine the role of this variant in disease. Therefore, it has been classified as a Variant of Uncertain Significance.

NM_000632.4(ITGAM):c.2084_2087del (p.Lys695fs)

Gene: ITGAM (integrin subunit alpha M; plus strand). Cytogenetic location: 16p11.2.
Variant type: Deletion.
Coding change: c.2084_2087del on transcript NM_000632.4 (MANE Select); coding-DNA positions 2084 to 2087, 4 bases deleted (AGAA; older notation c.2084_2087delAGAA).
Protein change: p.Lys695fs; shifts the reading frame from lysine 695.
Molecular consequence: frameshift variant.
Genome position (GRCh38, 1-based): chr16:31,324,480-31,324,483, AGAA deleted; deleting any 4 consecutive bases within chr16:31,324,478-31,324,483 gives the same sequence; the c. name uses the placement nearest the transcript's 3' end. VCF-style (leftmost placement, unchanged base first): chr16-31324477-CAAAG-C. GRCh37 (hg19) VCF-style: chr16-31335798-CAAAG-C.
Other names: c.2087_2090del, p.Lys696fs (NM_001145808.2); short protein forms K695fs, K696fs.
Identifiers: ClinVar variation 2186574 (VCV002186574.4), dbSNP rs770251573, ClinGen allele CA280616898.